The following is an entry in ClinVar:

ClinVar aggregate classification (germline): Uncertain significance (1 of 4 stars; one submission).

Conditions:
Wilson disease (WND). Also called: Wilson's disease. Identifiers: Orphanet 905, MedGen C0019202, MONDO:0010200, OMIM 277900. Disease mechanism: loss of function.

Submission:

Labcorp Genetics (formerly Invitae), Labcorp
Classification: Uncertain significance for Wilson disease. Last evaluated: 2023-08-24. Review status: criteria provided, single submitter. Criteria: Invitae Variant Classification Sherloc (09022015). Collection method: clinical testing. Allele origin: germline.
Comment: In summary, the available evidence is currently insufficient to determine the role of this variant in disease. Therefore, it has been classified as a Variant of Uncertain Significance. Algorithms developed to predict the effect of sequence changes on RNA splicing suggest that this variant is not likely to affect RNA splicing. This variant has been observed in individual(s) with Wilson disease (Invitae). In at least one individual the data is consistent with being in trans (on the opposite chromosome) from a pathogenic variant. This variant is not present in population databases (gnomAD no frequency). This sequence change affects codon 788 of the ATP7B mRNA. It is a 'silent' change, meaning that it does not change the encoded amino acid sequence of the ATP7B protein.

NM_000053.4(ATP7B):c.2364C>T (p.Thr788=)

Gene: ATP7B (ATPase copper transporting beta; minus strand). Cytogenetic location: 13q14.3.
Variant type: single nucleotide variant.
Coding change: c.2364C>T on transcript NM_000053.4 (MANE Select); coding-DNA position 2364, C replaced by T.
Protein change: p.Thr788=; no amino-acid change (threonine 788 retained).
Molecular consequence: synonymous variant. On other transcripts: intron variant (1).
Genome position (GRCh38, 1-based): chr13:51,957,599, G>A on the plus strand (C>T on the coding strand, the complement: ATP7B is on the minus strand). VCF-style: chr13-51957599-G-A. GRCh37 (hg19) VCF-style: chr13-52531735-G-A.
Other names: c.1878C>T, p.Thr626= (NM_001005918.3, NM_001406541.1, NM_001406542.1 and 1 more transcripts); c.2031C>T, p.Thr677= (NM_001243182.2); c.2130C>T, p.Thr710= (NM_001330578.2, NM_001406527.1, NM_001406528.1 and 2 more transcripts); c.2112C>T, p.Thr704= (NM_001330579.2, NM_001406531.1, NM_001406532.1 and 1 more transcripts); c.2364C>T, p.Thr788= (NM_001406511.1, NM_001406512.1, NM_001406513.1 and 7 more transcripts); c.2331C>T, p.Thr777= (NM_001406514.1); c.2268C>T, p.Thr756= (NM_001406517.1, NM_001406518.1); c.2220C>T, p.Thr740= (NM_001406520.1, NM_001406521.1, NM_001406522.1 and 1 more transcripts); and 8 more.
Identifiers: ClinVar variation 2745475 (VCV002745475.3), dbSNP rs2139504987, ClinGen allele CA483896000.
Genomic context (GRCh38, chr13:51,957,599, plus strand): 5'-AAGGGTCACAACGGTGGCTTCTGTGGCTTGGAGAGACATGAGTTTAGCCAGGGCTTCTGA[G>A]GTTTTGCTCTAGGAAATAACCAGAATGTGAAATGAGAGCTATCGAAAGCAGACCTGTCCA-3'
Protein context (NP_000044.2, residues 778-798): RWLEHLAKSK[Thr788=]SEALAKLMSL